The following is an entry in ClinVar:

NM_005560.6(LAMA5):c.5850-3C>T

Gene: LAMA5 (laminin subunit alpha 5; minus strand). Cytogenetic location: 20q13.33.
Variant type: single nucleotide variant.
Coding change: c.5850-3C>T on transcript NM_005560.6 (MANE Select); 3 bases into the intron before coding-DNA position 5850, C replaced by T.
Molecular consequence: intron variant.
Genome position (GRCh38, 1-based): chr20:62,323,673, G>A on the plus strand (C>T on the coding strand, the complement: LAMA5 is on the minus strand). VCF-style: chr20-62323673-G-A. GRCh37 (hg19) VCF-style: chr20-60898729-G-A.
Identifiers: ClinVar variation 2084763 (VCV002084763.3), dbSNP rs755901021, ClinGen allele CA9941983.

ClinVar aggregate classification (germline): Uncertain significance (1 of 4 stars; one submission).

Allele frequency attached by ClinVar (database versions not stated): ExAC 0.00001; gnomAD 0.00001; TOPMed 0.00002.
gnomAD v4.1: 5 of 1,605,706 alleles (0.00031%); highest among the groups gnomAD compares: Admixed American, 0.0051%; no homozygotes.

Submission:

Labcorp Genetics (formerly Invitae), Labcorp
Classification: Uncertain significance. Last evaluated: 2025-10-21. Review status: criteria provided, single submitter. Criteria: Invitae Variant Classification Sherloc (09022015). Collection method: clinical testing. Allele origin: germline.
Comment: This sequence change falls in intron 44 of the LAMA5 gene. It does not directly change the encoded amino acid sequence of the LAMA5 protein. It affects a nucleotide within the consensus splice site. This variant is present in population databases (rs755901021, gnomAD 0.006%). This variant has not been reported in the literature in individuals affected with LAMA5-related conditions. ClinVar contains an entry for this variant (Variation ID: 2084763). Variants that disrupt the consensus splice site are a relatively common cause of aberrant splicing (PMID: 17576681, 9536098). Algorithms developed to predict the effect of sequence changes on RNA splicing suggest that this variant is not likely to affect RNA splicing. In summary, the available evidence is currently insufficient to determine the role of this variant in disease. Therefore, it has been classified as a Variant of Uncertain Significance.

Literature cited by the submitters: PubMed 17576681; PubMed 9536098.